The following continues an entry in ClinVar:

NM_007194.4(CHEK2):c.190G>A (p.Glu64Lys)

Gene: CHEK2. ClinVar aggregate classification (germline): Conflicting classifications of pathogenicity. Likely pathogenic (14); Established risk allele (1); Uncertain significance (22). ClinVar aggregate classification (oncogenicity): Uncertain significance.

Submissions 18 to 36 of 45:

Institute of Human Genetics, University of Leipzig Medical Center
Classification: Likely pathogenic for CHEK2-related cancer predisposition. Last evaluated: 2024-09-11. Review status: criteria provided, single submitter. Criteria: ACMG Guidelines, 2015. Collection method: clinical testing. Allele origin: unknown. Inheritance: Autosomal dominant inheritance. Affected: yes.
Comment: Criteria applied: PS3,PS4_MOD

German Consortium for Hereditary Breast and Ovarian Cancer, University Hospital Cologne
Classification: Uncertain significance for Hereditary breast ovarian cancer syndrome. Last evaluated: 2024-05-03. Review status: criteria provided, single submitter. Criteria: ACMG Guidelines, 2015. Collection method: curation. Allele origin: germline.
Comment: Neueste funkt. Daten von Stolarova et al. 2023 neutral in CHK2 assay intermediate in KAP1 Assay. Roeb 2012 kommt hier auf ein ´´damaging´´; Kleiblova 2019 auf ein ´´deleterious´´, Boonen 2021 kommt auf ein ´´intermediate´´ während Delimitosu 2019 die Veränderung als benign einstuft. Boonen et al diskutieren sehr schön die diskordanten Ergebnisse in Hefe und Mensch und zeigen noch ein weiteres Problem der Hefeassays auf, nämlich die Analyse bei 30 Grad statt 37 Grad, was natürlich Auswirkungen auf Proteinstabilitäten hat. Wu X, Dong X, Liu W, et al.: Characterization of CHEK2 mutations in prostate cancer. Hum Mutat 2006;27:742–7 ´´reduced autophosphorylation, CDC25C phosphorylation and severely impaired T68 phosphorylation´´. In der Arbeit von Dorling et al. (BRIDGES/BCAC) wurde die Variante 60X in 60.000 BC cases und 30X in 53.000 Kontrollen gefunden. Vgl. c.1100delC 868X in 60.000 cases und 254X in 53.000 Kontrollen.Evtl. handelt es sich um eine hypomorphe Variante

Mendelics
Classification: Likely pathogenic for Familial cancer of breast. Last evaluated: 2024-03-27. Review status: criteria provided, single submitter. Criteria: Mendelics Assertion Criteria 2017. Collection method: clinical testing. Allele origin: unknown.

Baylor Genetics
Classification: Uncertain significance for Familial cancer of breast. Last evaluated: 2024-03-17. Review status: criteria provided, single submitter. Criteria: ACMG Guidelines, 2015. Collection method: clinical testing. Allele origin: unknown.

Fulgent Genetics
Classification: Likely pathogenic for Familial prostate cancer; Bone osteosarcoma; CHEK2-related cancer predisposition. Last evaluated: 2024-03-08. Review status: criteria provided, single submitter. Criteria: ACMG Guidelines, 2015. Collection method: clinical testing. Allele origin: germline.

Mayo Clinic Laboratories, Mayo Clinic
Classification: Uncertain significance. Last evaluated: 2024-01-24. Review status: criteria provided, single submitter. Criteria: ACMG Guidelines, 2015. Collection method: clinical testing. Allele origin: germline. Observed: 4 variant alleles.
Comment: BP4

ARUP Laboratories, Molecular Genetics and Genomics, ARUP Laboratories
Classification: Uncertain significance. Last evaluated: 2023-12-07. Review status: criteria provided, single submitter. Criteria: ARUP Molecular Germline Variant Investigation Process 2024. Collection method: clinical testing. Allele origin: germline.
Comment: The CHEK2 c.190G>A; p.Glu64Lys variant (rs141568342) is reported in the literature in individuals with breast, ovarian, or prostate cancer (Carter 2018, Desrichard 2011, Dong 2003, Toss 2021). A yeast functional assay suggests this variant is benign (Delimitsou 2019), but other functional assays report this variant causes reduced kinase activity and reduced DNA damage response (Kleiblova 2019, Roeb 2012, Wu 2006). This variant is also reported by multiple laboratories in the ClinVar database (Variation ID: 128068) and is found in the general population with an overall allele frequency of 0.02% (45/282814 alleles) in the Genome Aggregation Database. The glutamate at codon 64 is weakly conserved, and computational analyses are uncertain whether this variant is neutral or deleterious (REVEL: 0.240). Given the currently available information, the clinical significance of this variant is uncertain at this time. References: Carter NJ et al. Germline pathogenic variants identified in women with ovarian tumors. Gynecol Oncol. 2018 Dec;151(3):481-488. PMID: 30322717. Delimitsou A et al. Functional characterization of CHEK2 variants in a Saccharomyces cerevisiae system. Hum Mutat. 2019 May;40(5):631-648. PMID: 30851065. Desrichard A et al. CHEK2 contribution to hereditary breast cancer in non-BRCA families. Breast Cancer Res. 2011;13(6):R119. PMID: 22114986. Dong X et al. Mutations in CHEK2 associated with prostate cancer risk. Am J Hum Genet. 2003 Feb;72(2):270-80. Epub 2003 Jan 17. PMID: 12533788. Kleiblova P et al. Identification of deleterious germline CHEK2 mutations and their association with breast and ovarian cancer. Int J Cancer. 2019 Oct 1;145(7):1782-1797. PMID: 31050813. Roeb W et al. Response to DNA damage of CHEK2 missense mutations in familial breast cancer. Hum Mol Genet. 2012 Jun 15;21(12):2738-44. PMID: 22419737. Toss A et al. Clinicopathologic Profile of Breast Cancer in Germline ATM and CHEK2 Mutation Carriers. Genes (Basel). 2021 Apr 21;12(5):616. PMID: 33919281. Wu X et al. Characterization of CHEK2 mutations in prostate cancer. Hum Mutat. 2006 Aug;27(8):742-7. PMID: 16835864.

Institute of Human Genetics, University of Leipzig Medical Center
Classification: Likely pathogenic for Familial cancer of breast. Last evaluated: 2023-09-11. Review status: criteria provided, single submitter. Criteria: ACMG Guidelines, 2015. Collection method: clinical testing. Allele origin: unknown. Inheritance: Autosomal dominant inheritance. Affected: yes.
Comment: the same text as in the submission from Institute of Human Genetics, University of Leipzig Medical Center above.

Institute for Biomarker Research, Medical Diagnostic Laboratories, L.L.C.
Classification: Likely pathogenic for Hereditary cancer-predisposing syndrome. Last evaluated: 2023-08-04. Review status: criteria provided, single submitter. Criteria: ACMG Guidelines, 2015. Collection method: clinical testing. Allele origin: germline.

CeGaT Center for Human Genetics Tuebingen
Classification: Uncertain significance. Last evaluated: 2023-07-01. Review status: criteria provided, single submitter. Criteria: CeGaT Center For Human Genetics Tuebingen Variant Classification Criteria Version 2. Collection method: clinical testing. Allele origin: germline. Affected: yes. Observed: 3 variant alleles.
Comment: CHEK2: PS4, PS3:Moderate, BS2

Revvity Omics, Revvity
Classification: Uncertain significance. Last evaluated: 2023-06-19. Review status: criteria provided, single submitter. Criteria: ACMG Guidelines, 2015. Collection method: clinical testing. Allele origin: germline.

Myriad Genetics, Inc.
Classification: Likely pathogenic for Familial cancer of breast. Last evaluated: 2023-03-09. Review status: criteria provided, single submitter. Criteria: Myriad Autosomal Dominant, Autosomal Recessive and X-Linked Classification Criteria (2023). Collection method: clinical testing. Allele origin: unknown.
Comment: This variant is considered likely pathogenic. This variant is strongly associated with more severe personal and family histories of cancer, typical for individuals with pathogenic variants in this gene [PMID: 25085752].

Clinical Genetics Laboratory, Skane University Hospital Lund
Classification: Uncertain significance. Last evaluated: 2022-10-28. Review status: criteria provided, single submitter. Criteria: ACMG Guidelines, 2015. Collection method: clinical testing. Allele origin: germline. Affected: yes.

Sema4
Classification: Uncertain significance for Hereditary cancer-predisposing syndrome. Last evaluated: 2021-12-19. Review status: criteria provided, single submitter. Criteria: Sema4 Curation Guidelines. Collection method: curation. Allele origin: germline.
Comment: The CHEK2 c.190G>A (p.E64K) variant has been reported in heterozygosity in numerous individuals with breast, ovarian, prostate or colorectal cancer (PMID: 12533788, 22114986, 30322717, 30303537, 31050813). In a breast cancer case-control analysis, the variant was seen to be enriched in cases compared to controls: 66/60,466 cases versus 33/53,461 controls (PMID: 33471991). Functional studies have shown that this variant is deleterious to function at cell based, kinase assays (PMID: 31050813, 16835864), but shows inconclusive results in yeast based DNA damage repair assays (PMID 22419737, 30851065). This variant was observed in 38/126668 chromosomes in the European (non-Finnish) population, with no homozygotes, according to the Genome Aggregation Database (PMID: 32461654) and has been reported in ClinVar (Variation ID: 128068). In silico predictions of the variant's effect on protein function are inconclusive. The evidence is insufficient to meet ACMG/AMP criteria for classifying the variant as benign or pathogenic. Thus, the clinical significance of this variant is currently uncertain.

Institute for Clinical Genetics, University Hospital TU Dresden, University Hospital TU Dresden
Classification: Uncertain significance. Last evaluated: 2021-11-03. Review status: criteria provided, single submitter. Criteria: ACMG Guidelines, 2015. Collection method: clinical testing. Allele origin: germline.

MGZ Medical Genetics Center
Classification: Uncertain significance for Familial cancer of breast. Last evaluated: 2021-10-15. Review status: criteria provided, single submitter. Criteria: ACMG Guidelines, 2015. Collection method: clinical testing. Allele origin: germline. Affected: yes. Observed: 3 variant alleles.
Comment: ACMG criteria applied: PS3_MOD, PS4_SUP, PP3

CHEO Genetics Diagnostic Laboratory, Children's Hospital of Eastern Ontario
Classification: Uncertain significance for Breast and/or ovarian cancer. Last evaluated: 2021-07-30. Review status: criteria provided, single submitter. Criteria: ACMG Guidelines, 2015. Collection method: clinical testing. Allele origin: germline.

University of Washington Department of Laboratory Medicine, University of Washington
Classification: Likely pathogenic for Breast and colorectal cancer, susceptibility to. Last evaluated: 2019-09-09. Review status: criteria provided, single submitter. Criteria: Shirts et al. (Genet Med 2016). Collection method: clinical testing. Allele origin: germline. Inheritance: Autosomal dominant inheritance. Affected: yes. Observed: 3 variant alleles. Clinical features observed: breast cancer, pancreatic cancer.
Comment: This variant has been shown to partially reduce CHEK2 protein kinase activity (PMID 16835864). In a different functional assay system the CHEK2 p.E64K variant was also shown to impact CHEK2 protein function (PMID 22419737). This variant occurs at a position that is moderately evolutionarily conserved and is predicted to be probably damaging by computer analysis with PolyPhen2 and SIFT. This analysis was performed in conjunction with the family studies as part of the University of Washington Find My Variant study.

GeneKor MSA
Classification: Uncertain significance for Hereditary cancer-predisposing syndrome. Last evaluated: 2018-08-01. Review status: criteria provided, single submitter. Criteria: ACMG Guidelines, 2015. Collection method: clinical testing. Allele origin: germline. Affected: yes.